The following is an entry in ClinVar:

ClinVar aggregate classification (germline): Uncertain significance (1 of 4 stars; one submission).

Allele frequency attached by ClinVar (database versions not stated): TOPMed 0.00001.

Submission:

Labcorp Genetics (formerly Invitae), Labcorp
Classification: Uncertain significance. Last evaluated: 2023-11-20. Review status: criteria provided, single submitter. Criteria: Invitae Variant Classification Sherloc (09022015). Collection method: clinical testing. Allele origin: germline.
Comment: This sequence change replaces glutamic acid, which is acidic and polar, with aspartic acid, which is acidic and polar, at codon 395 of the SAG protein (p.Glu395Asp). This variant is not present in population databases (gnomAD no frequency). This variant has not been reported in the literature in individuals affected with SAG-related conditions. ClinVar contains an entry for this variant (Variation ID: 1719308). Algorithms developed to predict the effect of missense changes on protein structure and function output the following: SIFT: "Not Available"; PolyPhen-2: "Benign"; Align-GVGD: "Not Available". The aspartic acid amino acid residue is found in multiple mammalian species, which suggests that this missense change does not adversely affect protein function. In summary, the available evidence is currently insufficient to determine the role of this variant in disease. Therefore, it has been classified as a Variant of Uncertain Significance.

NM_000541.5(SAG):c.1185G>T (p.Glu395Asp)

Gene: SAG (S-antigen visual arrestin; plus strand). Cytogenetic location: 2q37.1.
Variant type: single nucleotide variant.
Coding change: c.1185G>T on transcript NM_000541.5 (MANE Select); coding-DNA position 1185, G replaced by T.
Protein change: p.Glu395Asp; replaces glutamic acid 395 with aspartic acid.
Molecular consequence: missense variant.
Genome position (GRCh38, 1-based): chr2:233,346,879, G>T. VCF-style: chr2-233346879-G-T. GRCh37 (hg19) VCF-style: chr2-234255525-G-T.
Other names: short protein forms E395D.
Identifiers: ClinVar variation 1719308 (VCV001719308.5), dbSNP rs1701269161, ClinGen allele CA351050488.